The following is an entry in ClinVar:

ClinVar aggregate classification (germline): Pathogenic. Review status: criteria provided, multiple submitters, no conflicts (2 of 4 stars). 3 submissions from 3 submitters: Pathogenic (3). Last evaluated 2026-08-12.

Conditions:
COL2A1-related disorder. Also called: COL2A1-related condition; COL2A1-related disorders.

Submissions (3):

GeneDx
Classification: Pathogenic. Last evaluated: 2026-08-12. Review status: criteria provided, single submitter. Criteria: GeneDx Variant Classification Process June 2021. Collection method: clinical testing. Allele origin: germline.
Comment: Identified in patients with Stickler syndrome referred for genetic testing at GeneDx and in the published literature (PMID: 20179744); Frameshift variant predicted to result in protein truncation or nonsense mediated decay in a gene for which loss of function is a known mechanism of disease; Not observed at significant frequency in large population cohorts (gnomAD); This variant is associated with the following publications: (PMID: 20179744)

Blueprint Genetics
Classification: Pathogenic for COL2A1-related disorders. Last evaluated: 2023-07-18. Review status: criteria provided, single submitter. Criteria: ACMG Guidelines, 2015. Collection method: clinical testing. Allele origin: germline. Affected: yes. Observed: 1 variant allele.

Labcorp Genetics (formerly Invitae), Labcorp
Classification: Pathogenic. Last evaluated: 2022-07-26. Review status: criteria provided, single submitter. Criteria: Invitae Variant Classification Sherloc (09022015). Collection method: clinical testing. Allele origin: germline.
Comment: For these reasons, this variant has been classified as Pathogenic. ClinVar contains an entry for this variant (Variation ID: 1455693). This premature translational stop signal has been observed in individual(s) with clinical features of Stickler syndrome (PMID: 20179744). This variant is not present in population databases (gnomAD no frequency). This sequence change creates a premature translational stop signal (p.Pro893Argfs*135) in the COL2A1 gene. It is expected to result in an absent or disrupted protein product. Loss-of-function variants in COL2A1 are known to be pathogenic (PMID: 20179744).

Literature cited by the submitters: PubMed 20179744 (cited by Labcorp Genetics (formerly Invitae), Labcorp).

NM_001844.5(COL2A1):c.2678del (p.Pro893fs)

Gene: COL2A1 (collagen type II alpha 1 chain; minus strand). Cytogenetic location: 12q13.11.
Variant type: Deletion.
Coding change: c.2678del on transcript NM_001844.5 (MANE Select); coding-DNA position 2678, one base deleted (C; older notation c.2678delC).
Protein change: p.Pro893fs; shifts the reading frame from proline 893.
Molecular consequence: frameshift variant.
Genome position (GRCh38, 1-based): chr12:47,980,010, G deleted on the plus strand (C on the coding strand, the reverse complement: COL2A1 is on the minus strand); the first of 6 consecutive G bases (chr12:47,980,010-47,980,015); deleting any one gives the same sequence. VCF-style (leftmost placement, unchanged base first): chr12-47980009-CG-C. GRCh37 (hg19) VCF-style: chr12-48373792-CG-C.
Other names: c.2678del (NM_001844.4); c.2471del, p.Pro824fs (NM_033150.3); short protein forms P824fs, P893fs.
Identifiers: ClinVar variation 1455693 (VCV001455693.8), dbSNP rs1938958532, ClinGen allele CA604849168.
Genomic context (GRCh38, chr12:47,980,009, plus strand): 5'-AGCCTCTGGGGCCAGGCCTCTTTGTGAGGTGCAGGGTGGGGTGTCAGAGGCCTCACTCAC[CG>C]GGGGGCCTTGGGCACCTCGGGCTCCTTTAGGACCAGTCACTCCAGTAGGACCCTGGAAAG-3'